The following is an entry in ClinVar:

NM_005026.5(PIK3CD):c.171G>T (p.Pro57=)

Gene: PIK3CD (phosphatidylinositol-4,5-bisphosphate 3-kinase catalytic subunit delta; plus strand). Cytogenetic location: 1p36.22.
Variant type: single nucleotide variant.
Coding change: c.171G>T on transcript NM_005026.5 (MANE Select); coding-DNA position 171, G replaced by T.
Protein change: p.Pro57=; no amino-acid change (proline 57 retained).
Molecular consequence: synonymous variant.
Genome position (GRCh38, 1-based): chr1:9,715,570, G>T. VCF-style: chr1-9715570-G-T. GRCh37 (hg19) VCF-style: chr1-9775628-G-T.
Other names: c.171G>T, p.Pro57= (NM_001350234.2, NM_001350235.1); c.171G>T (NM_005026.3).
Identifiers: ClinVar variation 1135386 (VCV001135386.11), dbSNP rs373365253, ClinGen allele CA576807.

ClinVar aggregate classification (germline): Conflicting classifications of pathogenicity. Review status: criteria provided, conflicting classifications (1 of 4 stars). 3 submissions from 3 submitters: Uncertain significance (2); Likely benign (1). Last evaluated 2025-12-08.

Conditions:
PIK3CD-related disorder. Also called: PIK3CD-related condition.
Immunodeficiency 14b, autosomal recessive. Identifiers: MedGen C5543301, MONDO:0023655, OMIM 619281.
Immunodeficiency 14 (IMD14A). Also called: IMMUNODEFICIENCY 14A WITH LYMPHOPROLIFERATION, AUTOSOMAL DOMINANT; p110-DELTA-ACTIVATING MUTATION CAUSING SENESCENT T CELLS, LYMPHADENOPATHY, AND IMMUNODEFICIENCY; ACTIVATED PI3K-DELTA SYNDROME 1; Activated PI3K Delta Syndrome Type 1 (APDS1). Identifiers: Orphanet 397596, Orphanet 693661, MedGen C5907821, MONDO:0014222, OMIM 615513.

Allele frequency attached by ClinVar (database versions not stated): ESP Exome Variant Server 0.00008.
gnomAD v4.1: 187 of 1,613,526 alleles (0.012%); highest among the groups gnomAD compares: Non-Finnish European, 0.015%; no homozygotes.

Submissions (3):

Labcorp Genetics (formerly Invitae), Labcorp
Classification: Likely benign for Activated PI3K-delta syndrome. Last evaluated: 2025-12-08. Review status: criteria provided, single submitter. Criteria: Invitae Variant Classification Sherloc (09022015). Collection method: clinical testing. Allele origin: germline.

PreventionGenetics, part of Exact Sciences
Classification: Uncertain significance for PIK3CD-related condition. Last evaluated: 2025-09-24. Review status: criteria provided, single submitter. Criteria: ACMG Guidelines, 2015. Collection method: clinical testing. Allele origin: germline.
Comment: The PIK3CD c.171G>T variant is not predicted to result in an amino acid change (p.=). This variant is predicted to alter splicing based on available splicing prediction programs (SpliceAI, Jaganathan et al. 2019. PubMed ID: 30661751). However, the use of computer prediction programs is not equivalent to functional evidence. To our knowledge, this variant has not been reported in the literature. This variant is reported in 0.0055% of alleles in individuals of European (Non-Finnish) descent in gnomAD. At this time, the clinical significance of this variant is uncertain due to the absence of conclusive functional and genetic evidence.

Clinical Genomics Laboratory, Washington University in St. Louis
Classification: Uncertain significance for Immunodeficiency 14b, autosomal recessive. Last evaluated: 2025-09-06. Review status: criteria provided, single submitter. Criteria: ACMG Guidelines, 2015. Collection method: clinical testing. Allele origin: germline.
Comment: A PIK3CD c.171G>T (p.Pro57=) variant was identified at a near heterozygous allelic fraction of 47.5%, a frequency which may be consistent with it being of germline origin. This variant, to our knowledge, has not been reported in the medical literature but has reported as a germline likely benign variant in the ClinVar database by a single submitter (ClinVar variation ID: 1135386). It is observed on 187/1,613,526 alleles in the general population (gnomAD v.4.1.0). Due to limited information and based on ACMG/AMP guidelines for variant interpretation (Richards S et al., PMID: 25741868), the clinical significance of this variant is uncertain at this time.